The following is an entry in ClinVar:

ClinVar aggregate classification (germline): Likely pathogenic (1 of 4 stars; one submission).

Conditions:
Fanconi anemia (FA). Also called: Fanconi's anemia. Identifiers: Orphanet 84, MedGen C0015625, MeSH D005199, MONDO:0019391.

Submission:

Labcorp Genetics (formerly Invitae), Labcorp
Classification: Likely pathogenic for Fanconi anemia. Last evaluated: 2022-12-31. Review status: criteria provided, single submitter. Criteria: Invitae Variant Classification Sherloc (09022015). Collection method: clinical testing. Allele origin: germline.
Comment: Algorithms developed to predict the effect of sequence changes on RNA splicing suggest that this variant may disrupt the consensus splice site. In summary, the currently available evidence indicates that the variant is pathogenic, but additional data are needed to prove that conclusively. Therefore, this variant has been classified as Likely Pathogenic. This variant has not been reported in the literature in individuals affected with FANCA-related conditions. This variant is not present in population databases (gnomAD no frequency). This sequence change affects an acceptor splice site in intron 14 of the FANCA gene. It is expected to disrupt RNA splicing. Variants that disrupt the donor or acceptor splice site typically lead to a loss of protein function (PMID: 16199547), and loss-of-function variants in FANCA are known to be pathogenic (PMID: 19367192).

Literature cited by the submitters: PubMed 16199547; PubMed 19367192.

NM_000135.4(FANCA):c.1360-2A>G

Gene: FANCA (FA complementation group A; minus strand). Cytogenetic location: 16q24.3.
Variant type: single nucleotide variant.
Coding change: c.1360-2A>G on transcript NM_000135.4 (MANE Select); the canonical splice acceptor site of the intron before coding-DNA position 1360, A replaced by G.
Molecular consequence: splice acceptor variant.
Genome position (GRCh38, 1-based): chr16:89,784,966, T>C on the plus strand (A>G on the coding strand, the complement: FANCA is on the minus strand). VCF-style: chr16-89784966-T-C. GRCh37 (hg19) VCF-style: chr16-89851374-T-C.
Other names: c.1360-2A>G (NM_001286167.3).
Identifiers: ClinVar variation 2780517 (VCV002780517.3), dbSNP rs2143477277, ClinGen allele CA397460254.